The following is an entry in ClinVar:

ClinVar aggregate classification (germline): Uncertain significance (1 of 4 stars; one submission).

Conditions:
Melanoma, cutaneous malignant, susceptibility to, 5. Also called: Cutaneous malignant melanoma 5. Identifiers: Orphanet 618, MedGen C2751295, MONDO:0013133, OMIM 613099.

Allele frequency attached by ClinVar (database versions not stated): gnomAD exomes below 0.00001.

Submission:

Labcorp Genetics (formerly Invitae), Labcorp
Classification: Uncertain significance for Melanoma, cutaneous malignant, susceptibility to, 5. Last evaluated: 2020-09-09. Review status: criteria provided, single submitter. Criteria: Invitae Variant Classification Sherloc (09022015). Collection method: clinical testing. Allele origin: germline.
Comment: This variant is not present in population databases (ExAC no frequency). In summary, the available evidence is currently insufficient to determine the role of this variant in disease. Therefore, it has been classified as a Variant of Uncertain Significance. Algorithms developed to predict the effect of missense changes on protein structure and function (SIFT, PolyPhen-2, Align-GVGD) all suggest that this variant is likely to be disruptive, but these predictions have not been confirmed by published functional studies and their clinical significance is uncertain. This variant has not been reported in the literature in individuals with MC1R-related conditions. This sequence change replaces serine with proline at codon 316 of the MC1R protein (p.Ser316Pro). The serine residue is highly conserved and there is a moderate physicochemical difference between serine and proline.

NM_002386.4(MC1R):c.946T>C (p.Ser316Pro)

Gene: MC1R (melanocortin 1 receptor; plus strand). Cytogenetic location: 16q24.3.
Variant type: single nucleotide variant.
Coding change: c.946T>C on transcript NM_002386.4 (MANE Select); coding-DNA position 946, T replaced by C.
Protein change: p.Ser316Pro; replaces serine 316 with proline.
Molecular consequence: missense variant.
Genome position (GRCh38, 1-based): chr16:89,920,204, T>C. VCF-style: chr16-89920204-T-C. GRCh37 (hg19) VCF-style: chr16-89986612-T-C.
Other names: short protein forms S316P.
Identifiers: ClinVar variation 1000688 (VCV001000688.8), dbSNP rs2045708038, ClinGen allele CA397464066.